The following is an entry in ClinVar:

ClinVar aggregate classification (germline): Uncertain significance (1 of 4 stars; one submission).

Submission:

Labcorp Genetics (formerly Invitae), Labcorp
Classification: Uncertain significance. Last evaluated: 2024-10-02. Review status: criteria provided, single submitter. Criteria: Invitae Variant Classification Sherloc (09022015). Collection method: clinical testing. Allele origin: germline.
Comment: This sequence change replaces proline, which is neutral and non-polar, with serine, which is neutral and polar, at codon 228 of the PPP2R5D protein (p.Pro228Ser). This variant is not present in population databases (gnomAD no frequency). This variant has not been reported in the literature in individuals affected with PPP2R5D-related conditions. ClinVar contains an entry for this variant (Variation ID: 1997402). An algorithm developed to predict the effect of missense changes on protein structure and function (PolyPhen-2) suggests that this variant is likely to be tolerated. In summary, the available evidence is currently insufficient to determine the role of this variant in disease. Therefore, it has been classified as a Variant of Uncertain Significance.

NM_006245.4(PPP2R5D):c.682C>T (p.Pro228Ser)

Gene: PPP2R5D (protein phosphatase 2 regulatory subunit B'delta; plus strand). Cytogenetic location: 6p21.1.
Variant type: single nucleotide variant.
Coding change: c.682C>T on transcript NM_006245.4 (MANE Select); coding-DNA position 682, C replaced by T.
Protein change: p.Pro228Ser; replaces proline 228 with serine.
Molecular consequence: missense variant.
Genome position (GRCh38, 1-based): chr6:43,007,462, C>T. VCF-style: chr6-43007462-C-T. GRCh37 (hg19) VCF-style: chr6-42975200-C-T.
Other names: c.229C>T, p.Pro77Ser (NM_001270476.2); c.586C>T, p.Pro196Ser (NM_180976.3); c.364C>T, p.Pro122Ser (NM_180977.3); short protein forms P196S, P122S, P228S, P77S.
Identifiers: ClinVar variation 1997402 (VCV001997402.4), dbSNP rs2532476623, ClinGen allele CA364187721.
Genomic context (GRCh38, chr6:43,007,462, plus strand): 5'-TTTCCCCTATAGCTCGTGTATGAGTTCTTCTTACGTTTCCTTGAGTCTCCTGATTTCCAG[C>T]CAAACATAGCCAAGAAGTACATCGACCAGAAGTTTGTACTTGCTGTGAGTCCCCGAGTTC-3'
Protein context (NP_006236.1, residues 218-238): LRFLESPDFQ[Pro228Ser]NIAKKYIDQK